The following is an entry in ClinVar:

NM_000492.4(CFTR):c.2236G>T (p.Glu746Ter)

Gene: CFTR (CF transmembrane conductance regulator; plus strand). Cytogenetic location: 7q31.2.
Variant type: single nucleotide variant.
Coding change: c.2236G>T on transcript NM_000492.4 (MANE Select); coding-DNA position 2236, G replaced by T.
Protein change: p.Glu746Ter; replaces glutamic acid 746 with a stop codon.
Molecular consequence: nonsense.
Genome position (GRCh38, 1-based): chr7:117,592,403, G>T. VCF-style: chr7-117592403-G-T. GRCh37 (hg19) VCF-style: chr7-117232457-G-T.
Other names: short protein forms E746*.
Identifiers: ClinVar variation 4818497 (VCV004818497.1).
Genomic context (GRCh38, chr7:117,592,403, plus strand): 5'-GAGGATTCTGATGAGCCTTTAGAGAGAAGGCTGTCCTTAGTACCAGATTCTGAGCAGGGA[G>T]AGGCGATACTGCCTCGCATCAGCGTGATCAGCACTGGCCCCACGCTTCAGGCACGAAGGA-3'

ClinVar aggregate classification (germline): Likely pathogenic (1 of 4 stars; one submission).

Conditions:
CFTR-related disorder (CFTR-RD). Also called: CFTR-related disorders; CFTR-related condition. Identifiers: MedGen C5924204, MONDO:7770004.

Submission:

Natera, Inc.
Classification: Likely pathogenic for CFTR-related disorders. Last evaluated: 2024-03-21. Review status: criteria provided, single submitter. Criteria: Natera Variant Classification Schema (03/2026). Collection method: clinical testing. Allele origin: germline.
Comment: The c.2236G>T variant in CFTR is a nonsense variant predicted to introduce a stop codon at amino acid 746. This variant is expected to result in nonsense mediated decay, truncation, or a dysfunctional protein product. This variant is rare in the general population with a frequency below the threshold expected for the associated phenotype(s). Given the available evidence, this variant is classified as Likely Pathogenic.